The following is an entry in ClinVar:

NM_003401.5(XRCC4):c.265del (p.Ser89fs)

Gene: XRCC4 (X-ray repair cross complementing 4; plus strand). Cytogenetic location: 5q14.2.
Variant type: Deletion.
Coding change: c.265del on transcript NM_003401.5 (MANE Select); coding-DNA position 265, one base deleted (T; older notation c.265delT).
Protein change: p.Ser89fs; shifts the reading frame from serine 89.
Molecular consequence: frameshift variant.
Genome position (GRCh38, 1-based): chr5:83,111,153, T deleted; the last of 5 consecutive T bases (chr5:83,111,149-83,111,153); deleting any one gives the same sequence. VCF-style (leftmost placement, unchanged base first): chr5-83111148-AT-A. GRCh37 (hg19) VCF-style: chr5-82406967-AT-A.
Other names: c.265del, p.Ser89fs (NM_001318012.3, NM_001318013.2, NM_022406.5 and 1 more transcripts); short protein forms S89fs.
Identifiers: ClinVar variation 1179135 (VCV001179135.2), dbSNP rs772562216, ClinGen allele CA3332121.

ClinVar aggregate classification (germline): Likely pathogenic (1 of 4 stars; one submission).

Conditions:
Short stature, microcephaly, and endocrine dysfunction (SSMED). Identifiers: Orphanet 436182, MedGen C4225288, MONDO:0014686, OMIM 616541.

Submission:

Fulgent Genetics
Classification: Likely pathogenic for Short stature, microcephaly, and endocrine dysfunction. Last evaluated: 2021-06-30. Review status: criteria provided, single submitter. Criteria: ACMG Guidelines, 2015. Collection method: clinical testing. Allele origin: unknown.
Comment: This variant has been detected in individual(s) who were sent for testing of Renasight - kidney gene panel.